The following is an entry in ClinVar:

ClinVar aggregate classification (germline): Uncertain significance. Review status: criteria provided, multiple submitters, no conflicts (2 of 4 stars). 2 submissions from 2 submitters: Uncertain significance (2). Last evaluated 2025-11-10.

Allele frequency attached by ClinVar (database versions not stated): gnomAD exomes 0.00001; TOPMed 0.00002.
gnomAD v4.1: 15 of 1,609,732 alleles (0.00093%); highest among the groups gnomAD compares: East Asian, 0.0022%; no homozygotes.

Submissions (2):

Ambry Genetics
Classification: Uncertain significance. Last evaluated: 2025-11-10. Review status: criteria provided, single submitter. Criteria: Ambry Variant Classification Scheme 2023. Collection method: clinical testing. Allele origin: germline.
Comment: The p.R610H variant (also known as c.1829G>A), located in coding exon 15 of the A2ML1 gene, results from a G to A substitution at nucleotide position 1829. The arginine at codon 610 is replaced by histidine, an amino acid with highly similar properties. This amino acid position is conserved. In addition, this alteration is predicted to be tolerated by in silico analysis. Based on the available evidence, the clinical significance of this variant remains unclear.

Labcorp Genetics (formerly Invitae), Labcorp
Classification: Uncertain significance. Last evaluated: 2022-08-02. Review status: criteria provided, single submitter. Criteria: Invitae Variant Classification Sherloc (09022015). Collection method: clinical testing. Allele origin: germline.
Comment: In summary, the available evidence is currently insufficient to determine the role of this variant in disease. Therefore, it has been classified as a Variant of Uncertain Significance. Algorithms developed to predict the effect of missense changes on protein structure and function output the following: SIFT: "Tolerated"; PolyPhen-2: "Benign"; Align-GVGD: "Class C0". The histidine amino acid residue is found in multiple mammalian species, which suggests that this missense change does not adversely affect protein function. This variant has not been reported in the literature in individuals affected with A2ML1-related conditions. The frequency data for this variant in the population databases is considered unreliable, as metrics indicate poor data quality at this position in the gnomAD database. This sequence change replaces arginine, which is basic and polar, with histidine, which is basic and polar, at codon 610 of the A2ML1 protein (p.Arg610His).

NM_144670.6(A2ML1):c.1829G>A (p.Arg610His)

Gene: A2ML1 (alpha-2-macroglobulin like 1; plus strand). Cytogenetic location: 12p13.31.
Variant type: single nucleotide variant.
Coding change: c.1829G>A on transcript NM_144670.6 (MANE Select); coding-DNA position 1829, G replaced by A.
Protein change: p.Arg610His; replaces arginine 610 with histidine.
Molecular consequence: missense variant.
Genome position (GRCh38, 1-based): chr12:8,847,694, G>A. VCF-style: chr12-8847694-G-A. GRCh37 (hg19) VCF-style: chr12-9000290-G-A.
Other names: c.356G>A, p.Arg119His (NM_001282424.3); c.1829G>A (NM_144670.3); short protein forms R119H, R610H.
Identifiers: ClinVar variation 2074693 (VCV002074693.5), dbSNP rs368671138, ClinGen allele CA6435824.